The following is an entry in ClinVar:

NM_002206.3(ITGA7):c.334+19A>G

Gene: ITGA7 (integrin subunit alpha 7; minus strand). Cytogenetic location: 12q13.2.
Variant type: single nucleotide variant.
Coding change: c.334+19A>G on transcript NM_002206.3 (MANE Select); 19 bases into the intron after coding-DNA position 334, A replaced by G.
Molecular consequence: intron variant.
Genome position (GRCh38, 1-based): chr12:55,703,032, T>C on the plus strand (A>G on the coding strand, the complement: ITGA7 is on the minus strand). VCF-style: chr12-55703032-T-C. GRCh37 (hg19) VCF-style: chr12-56096816-T-C.
Other names: c.86-1616A>G (NM_001144997.2); c.-6+19A>G (NM_001367993.1, NM_001414035.1); c.334+19A>G (NM_001414033.1, NM_001414032.1, NM_001414031.1 and 6 more transcripts); c.-839+19A>G (NM_001367994.1).
Identifiers: ClinVar variation 94044 (VCV000094044.17), dbSNP rs2293413, ClinGen allele CA147565.

ClinVar aggregate classification (germline): Benign. Review status: criteria provided, multiple submitters, no conflicts (2 of 4 stars). 6 submissions from 6 submitters: Benign (6). Last evaluated 2026-02-04.

Conditions:
Congenital muscular dystrophy due to integrin alpha-7 deficiency. Also called: Congenital muscular dystrophy with integrin alpha-7 deficiency; MYOPATHY, CONGENITAL, DUE TO INTEGRIN ALPHA-7 DEFICIENCY; Muscular dystrophy, congenital, due to ITGA7 deficiency. Identifiers: Orphanet 34520, MedGen C2750786, MONDO:0013177, OMIM 613204.

Allele frequency attached by ClinVar (database versions not stated): ESP Exome Variant Server 0.46371; gnomAD 0.49590 and 0.51014; TOPMed 0.49704; ExAC 0.59024; gnomAD exomes 0.59643; 1000 Genomes Project 30x 0.59978; 1000 Genomes Project 0.61202.
gnomAD v4.1: 855,047 of 1,613,676 alleles (53%); highest among the groups gnomAD compares: East Asian, 94%; 235,371 homozygotes.

Submissions (6):

Labcorp Genetics (formerly Invitae), Labcorp
Classification: Benign for Congenital muscular dystrophy due to integrin alpha-7 deficiency. Last evaluated: 2026-02-04. Review status: criteria provided, single submitter. Criteria: Invitae Variant Classification Sherloc (09022015). Collection method: clinical testing. Allele origin: germline.

Genome-Nilou Lab
Classification: Benign for Congenital muscular dystrophy due to integrin alpha-7 deficiency. Last evaluated: 2021-08-19. Review status: criteria provided, single submitter. Criteria: ACMG Guidelines, 2015. Collection method: clinical testing. Allele origin: germline. Affected: no.

GeneDx
Classification: Benign. Last evaluated: 2016-01-05. Review status: criteria provided, single submitter. Criteria: GeneDx Variant Classification (06012015). Collection method: clinical testing. Allele origin: germline. Affected: yes.
Comment: This variant is considered likely benign or benign based on one or more of the following criteria: it is a conservative change, it occurs at a poorly conserved position in the protein, it is predicted to be benign by multiple in silico algorithms, and/or has population frequency not consistent with disease.

Eurofins Ntd Llc (ga)
Classification: Benign. Last evaluated: 2012-07-18. Review status: criteria provided, single submitter. Criteria: EGL Classification Definitions 2015. Collection method: clinical testing. Allele origin: germline. Observed: 31 variant alleles, 17 heterozygotes, 14 homozygotes.

Breakthrough Genomics
Classification: Benign. Review status: criteria provided, single submitter. Criteria: ACMG Guidelines, 2015. Collection method: not provided. Allele origin: germline. Inheritance: Autosomal recessive inheritance. Affected: yes.

PreventionGenetics, part of Exact Sciences
Classification: Benign. Review status: criteria provided, single submitter. Criteria: ACMG Guidelines, 2015. Collection method: clinical testing. Allele origin: germline.